The following is an entry in ClinVar:

NM_001134.3(AFP):c.1640C>T (p.Thr547Ile)

Gene: AFP (alpha fetoprotein; plus strand). Cytogenetic location: 4q13.3.
Variant type: single nucleotide variant.
Coding change: c.1640C>T on transcript NM_001134.3 (MANE Select); coding-DNA position 1640, C replaced by T.
Protein change: p.Thr547Ile; replaces threonine 547 with isoleucine.
Molecular consequence: missense variant.
Genome position (GRCh38, 1-based): chr4:73,452,612, C>T. VCF-style: chr4-73452612-C-T. GRCh37 (hg19) VCF-style: chr4-74318329-C-T.
Other names: c.1166C>T, p.Thr389Ile (NM_001354717.2); short protein forms T389I, T547I.
Identifiers: ClinVar variation 3053720 (VCV003053720.2), dbSNP rs114970091, ClinGen allele CA2960291.
Genomic context (GRCh38, chr4:73,452,612, plus strand): 5'-CTGATGACAAGTTCATTTTCCATAAGGATCTGTGCCAAGCTCAGGGTGTAGCGCTGCAAA[C>T]AATGAAGCAAGAGTAAGAAACTGTTACTTGCTAGCATGGAAAAGAATGACAACCCCAAAG-3'
Protein context (NP_001125.1, residues 537-557): LCQAQGVALQ[Thr547Ile]MKQEFLINLV

ClinVar aggregate classification (germline): Benign (0 of 4 stars; one submission).

Conditions:
AFP-related disorder. Also called: AFP-related condition.

Allele frequency attached by ClinVar (database versions not stated): 1000 Genomes Project 30x 0.00219; 1000 Genomes Project 0.00220; ESP Exome Variant Server 0.00223; gnomAD 0.00243; TOPMed 0.00246.
gnomAD v4.1: 749 of 1,611,686 alleles (0.046%); highest among the groups gnomAD compares: African/African-American, 0.88%; 1 homozygote.

Submission:

PreventionGenetics, part of Exact Sciences
Classification: Benign for AFP-related condition. Last evaluated: 2019-08-20. Review status: no assertion criteria provided. Collection method: clinical testing. Allele origin: germline.
Comment: This variant is classified as benign based on ACMG/AMP sequence variant interpretation guidelines (Richards et al. 2015 PMID: 25741868, with internal and published modifications).